The following is an entry in ClinVar:

ClinVar aggregate classification (germline): Conflicting classifications of pathogenicity. Review status: criteria provided, conflicting classifications (1 of 4 stars). 5 submissions from 5 submitters: Uncertain significance (4); Likely benign (1). Last evaluated 2025-06-20.

Conditions:
Long QT syndrome (LQTS). Identifiers: MedGen C0023976, MeSH D008133, MONDO:0002442. Disease mechanism: loss of function. Inheritance: Various modes of inheritance.
Familial hyperaldosteronism type III. Also called: FH III; Familial hyperaldosteronism type 3. Identifiers: Orphanet 251274, MedGen C3838758, MONDO:0013359, OMIM 613677.
Long QT syndrome 13 (LQT13). Identifiers: Orphanet 101016, Orphanet 768, MedGen C3150733, MONDO:0013279, OMIM 613485.
Cardiovascular phenotype. Identifiers: MedGen CN230736.

Allele frequency attached by ClinVar (database versions not stated): TOPMed below 0.00001; ExAC 0.00001; gnomAD exomes 0.00001.
gnomAD v4.1: 9 of 1,614,216 alleles (0.00056%); highest among the groups gnomAD compares: East Asian, 0.0022%; no homozygotes.

Submissions (5):

GeneDx
Classification: Uncertain significance. Last evaluated: 2025-06-20. Review status: criteria provided, single submitter. Criteria: GeneDx Variant Classification Process June 2021. Collection method: clinical testing. Allele origin: germline. Affected: yes.
Comment: Not observed at significant frequency in large population cohorts (gnomAD); In silico analysis supports that this missense variant has a deleterious effect on protein structure/function; Has not been previously published as pathogenic or benign to our knowledge

Labcorp Genetics (formerly Invitae), Labcorp
Classification: Uncertain significance for Long QT syndrome. Last evaluated: 2025-03-18. Review status: criteria provided, single submitter. Criteria: Invitae Variant Classification Sherloc (09022015). Collection method: clinical testing. Allele origin: germline.
Comment: This sequence change replaces arginine, which is basic and polar, with tryptophan, which is neutral and slightly polar, at codon 72 of the KCNJ5 protein (p.Arg72Trp). This variant is present in population databases (rs757877367, gnomAD 0.006%). This variant has not been reported in the literature in individuals affected with KCNJ5-related conditions. ClinVar contains an entry for this variant (Variation ID: 941579). Invitae Evidence Modeling of protein sequence and biophysical properties (such as structural, functional, and spatial information, amino acid conservation, physicochemical variation, residue mobility, and thermodynamic stability) indicates that this missense variant is expected to disrupt KCNJ5 protein function with a positive predictive value of 80%. In summary, the available evidence is currently insufficient to determine the role of this variant in disease. Therefore, it has been classified as a Variant of Uncertain Significance.

Ambry Genetics
Classification: Likely benign for Cardiovascular phenotype. Last evaluated: 2022-09-14. Review status: criteria provided, single submitter. Criteria: Ambry Variant Classification Scheme 2023. Collection method: clinical testing. Allele origin: germline.

AiLife Diagnostics
Classification: Uncertain significance. Last evaluated: 2021-10-22. Review status: criteria provided, single submitter. Criteria: ACMG Guidelines, 2015. Collection method: clinical testing. Allele origin: germline. Affected: yes. Observed: 1 variant allele.

Fulgent Genetics
Classification: Uncertain significance for Long QT syndrome 13; Familial hyperaldosteronism type III. Last evaluated: 2021-08-03. Review status: criteria provided, single submitter. Criteria: ACMG Guidelines, 2015. Collection method: clinical testing. Allele origin: unknown.

NM_000890.5(KCNJ5):c.214C>T (p.Arg72Trp)

Gene: KCNJ5 (potassium inwardly rectifying channel subfamily J member 5; plus strand). Cytogenetic location: 11q24.3.
Variant type: single nucleotide variant.
Coding change: c.214C>T on transcript NM_000890.5 (MANE Select); coding-DNA position 214, C replaced by T.
Protein change: p.Arg72Trp; replaces arginine 72 with tryptophan.
Molecular consequence: missense variant.
Genome position (GRCh38, 1-based): chr11:128,911,487, C>T. VCF-style: chr11-128911487-C-T. GRCh37 (hg19) VCF-style: chr11-128781382-C-T.
Other names: c.214C>T, p.Arg72Trp (NM_001354169.2); short protein forms R72W.
Identifiers: ClinVar variation 941579 (VCV000941579.14), dbSNP rs757877367, ClinGen allele CA6357841.
Genomic context (GRCh38, chr11:128,911,487, plus strand): 5'-CGCTACATGGAGAAGAGTGGCAAGTGCAACGTGCACCACGGCAACGTCCAGGAGACCTAC[C>T]GGTACCTGAGTGACCTCTTCACCACCCTGGTGGACCTCAAGTGGCGCTTCAACTTGCTCG-3'
Protein context (NP_000881.3, residues 62-82): VHHGNVQETY[Arg72Trp]YLSDLFTTLV